The following is an entry in ClinVar:

ClinVar aggregate classification (germline): Uncertain significance (1 of 4 stars; one submission).

Submission:

Labcorp Genetics (formerly Invitae), Labcorp
Classification: Uncertain significance. Last evaluated: 2022-05-04. Review status: criteria provided, single submitter. Criteria: Invitae Variant Classification Sherloc (09022015). Collection method: clinical testing. Allele origin: germline.
Comment: This variant, c.591_600delinsTAAAACC, is a complex sequence change that results in the deletion of 4 and insertion of 3 amino acid(s) in the PDSS1 protein (p.Lys197_Gly200delinsAsnLysThr). This variant is not present in population databases (gnomAD no frequency). This variant has not been reported in the literature in individuals affected with PDSS1-related conditions. Experimental studies and prediction algorithms are not available or were not evaluated, and the functional significance of this variant is currently unknown. In summary, the available evidence is currently insufficient to determine the role of this variant in disease. Therefore, it has been classified as a Variant of Uncertain Significance.

NM_014317.5(PDSS1):c.591_600delinsTAAAACC (p.Lys197_Gly200delinsAsnLysThr)

Gene: PDSS1 (decaprenyl diphosphate synthase subunit 1; plus strand). Cytogenetic location: 10p12.1.
Variant type: Indel.
Coding change: c.591_600delinsTAAAACC on transcript NM_014317.5 (MANE Select); coding-DNA positions 591 to 600, GATCTGGGGT replaced by TAAAACC.
Protein change: p.Lys197_Gly200delinsAsnLysThr.
Molecular consequence: inframe indel.
Genome position (GRCh38, 1-based): chr10:26,720,341-26,720,350, GATCTGGGGT replaced by TAAAACC. VCF-style: chr10-26720341-GATCTGGGGT-TAAAACC. GRCh37 (hg19) VCF-style: chr10-27009270-GATCTGGGGT-TAAAACC.
Other names: c.591_600delinsTAAAACC, p.Lys197_Gly200delinsAsnLysThr (NM_001321978.2); c.81_90delinsTAAAACC, p.Lys27_Gly30delinsAsnLysThr (NM_001321979.2).
Identifiers: ClinVar variation 2133933 (VCV002133933.1), dbSNP rs2491570988, ClinGen allele CA2580081414.